The following is an entry in ClinVar:

NM_015122.3(FCHO1):c.1035C>T (p.Ser345=)

Gene: FCHO1 (FCH and mu domain containing endocytic adaptor 1; plus strand). Cytogenetic location: 19p13.11.
Variant type: single nucleotide variant.
Coding change: c.1035C>T on transcript NM_015122.3 (MANE Select); coding-DNA position 1035, C replaced by T.
Protein change: p.Ser345=; no amino-acid change (serine 345 retained).
Molecular consequence: synonymous variant. On other transcripts: non-coding transcript variant (36).
Genome position (GRCh38, 1-based): chr19:17,776,014, C>T. VCF-style: chr19-17776014-C-T. GRCh37 (hg19) VCF-style: chr19-17886823-C-T.
Other names: c.1035C>T, p.Ser345= (NM_001161357.2, NM_001161358.2, NM_001384370.1 and 25 more transcripts); c.885C>T, p.Ser295= (NM_001161359.2, NM_001384384.1, NM_001384385.1 and 3 more transcripts); c.996C>T, p.Ser332= (NM_001384388.1, NM_001384389.1, NM_001384405.1); c.960C>T, p.Ser320= (NM_001384390.1); c.990C>T, p.Ser330= (NM_001384403.1); c.1035C>T (NM_001161357.1).
Identifiers: ClinVar variation 1939060 (VCV001939060.7), dbSNP rs201059357, ClinGen allele CA9300374.

ClinVar aggregate classification (germline): Likely benign. Review status: criteria provided, multiple submitters, no conflicts (2 of 4 stars). 3 submissions from 3 submitters: Likely benign (3). Last evaluated 2025-12-20.

Conditions:
FCHO1-related disorder. Also called: FCHO1-related condition.

Allele frequency attached by ClinVar (database versions not stated): gnomAD 0.00001; TOPMed 0.00003; ExAC 0.00005.
gnomAD v4.1: 24 of 1,608,732 alleles (0.0015%); highest among the groups gnomAD compares: Middle Eastern, 0.016%; no homozygotes.

Submissions (3):

PreventionGenetics, part of Exact Sciences
Classification: Likely benign for FCHO1-related condition. Last evaluated: 2025-12-20. Review status: criteria provided, single submitter. Criteria: ACMG Guidelines, 2015. Collection method: clinical testing. Allele origin: germline.
Comment: This variant is classified as likely benign based on ACMG/AMP sequence variant interpretation guidelines (Richards et al. 2015 PMID: 25741868, with internal and published modifications).

Labcorp Genetics (formerly Invitae), Labcorp
Classification: Likely benign. Last evaluated: 2025-10-13. Review status: criteria provided, single submitter. Criteria: Invitae Variant Classification Sherloc (09022015). Collection method: clinical testing. Allele origin: germline.

Blueprint Genetics
Classification: Likely benign. Last evaluated: 2020-08-05. Review status: criteria provided, single submitter. Criteria: ACMG Guidelines, 2015. Collection method: clinical testing. Allele origin: germline.